The following is an entry in ClinVar:

NM_004385.5(VCAN):c.5858C>T (p.Thr1953Met)

Genes: VCAN (versican; plus strand), VCAN-AS1 (VCAN antisense RNA 1; minus strand). Cytogenetic location: 5q14.3.
Variant type: single nucleotide variant.
Coding change: c.5858C>T on transcript NM_004385.5 (MANE Select); coding-DNA position 5858, C replaced by T.
Protein change: p.Thr1953Met; replaces threonine 1953 with methionine.
Molecular consequence: missense variant. On other transcripts: intron variant (2).
Genome position (GRCh38, 1-based): chr5:83,538,861, C>T. VCF-style: chr5-83538861-C-T. GRCh37 (hg19) VCF-style: chr5-82834680-C-T.
Other names: c.2897C>T, p.Thr966Met (NM_001164097.2); c.4004-6676C>T (NM_001164098.2); c.1043-6676C>T (NM_001126336.3); short protein forms T966M, T1953M.
Identifiers: ClinVar variation 1896549 (VCV001896549.5), dbSNP rs200887570, ClinGen allele CA3333388.

ClinVar aggregate classification (germline): Uncertain significance (1 of 4 stars; one submission).

Allele frequency attached by ClinVar (database versions not stated): TOPMed 0.00001; gnomAD 0.00003; ExAC 0.00007; 1000 Genomes Project 0.00020.

Submission:

Labcorp Genetics (formerly Invitae), Labcorp
Classification: Uncertain significance. Last evaluated: 2025-06-15. Review status: criteria provided, single submitter. Criteria: Invitae Variant Classification Sherloc (09022015). Collection method: clinical testing. Allele origin: germline.
Comment: This sequence change replaces threonine, which is neutral and polar, with methionine, which is neutral and non-polar, at codon 1953 of the VCAN protein (p.Thr1953Met). This variant is present in population databases (rs200887570, gnomAD 0.02%). This variant has not been reported in the literature in individuals affected with VCAN-related conditions. ClinVar contains an entry for this variant (Variation ID: 1896549). An algorithm developed to predict the effect of missense changes on protein structure and function outputs the following: PolyPhen-2: "Benign". The methionine amino acid residue is found in multiple mammalian species, which suggests that this missense change does not adversely affect protein function. In summary, the available evidence is currently insufficient to determine the role of this variant in disease. Therefore, it has been classified as a Variant of Uncertain Significance.